The following is an entry in ClinVar:

ClinVar aggregate classification (germline): Uncertain significance (1 of 4 stars; one submission).

Conditions:
Mucopolysaccharidosis type 6 (MPS6). Also called: N-ACETYLGALACTOSAMINE-4-SULFATASE DEFICIENCY; MPS VI; MPS 6; Maroteaux Lamy syndrome; ARSB DEFICIENCY; ARYLSULFATASE B DEFICIENCY. Identifiers: Orphanet 583, MedGen C0026709, MONDO:0009661, OMIM 253200.

Submission:

Laboratory of Diagnosis and Therapy of Lysosomal Disorders, University of Padova
Classification: Uncertain significance for Mucopolysaccharidosis type 6. Last evaluated: 2018-01-01. Review status: criteria provided, single submitter. Criteria: ACMG Guidelines, 2015. Collection method: curation. Allele origin: germline. Affected: yes.
Comment: Absent from GnomAD (PM2)

Literature cited by the submitters: PubMed 17458871; PubMed 30118150.

NM_000046.5(ARSB):c.1582_1596del (p.Val528_Trp532del)

Gene: ARSB (arylsulfatase B; minus strand). Cytogenetic location: 5q14.1.
Variant type: Deletion.
Coding change: c.1582_1596del on transcript NM_000046.5 (MANE Select); coding-DNA positions 1582 to 1596, 15 bases deleted (GTGTGGGGCCCTTGG).
Protein change: p.Val528_Trp532del.
Molecular consequence: inframe deletion.
Genome position (GRCh38, 1-based): chr5:78,780,403-78,780,417, CCAAGGGCCCCACAC deleted on the plus strand (GTGTGGGGCCCTTGG on the coding strand, the reverse complement: ARSB is on the minus strand); deleting any 15 consecutive bases within chr5:78,780,403-78,780,419 gives the same sequence; the c. name uses the placement nearest the transcript's 3' end. VCF-style (leftmost placement, unchanged base first): chr5-78780402-TCCAAGGGCCCCACAC-T. GRCh37 (hg19) VCF-style: chr5-78076225-TCCAAGGGCCCCACAC-T.
Identifiers: ClinVar variation 559726 (VCV000559726.1), dbSNP rs1554069658, ClinGen allele CA658822421.